The following is an entry in ClinVar:

ClinVar aggregate classification (germline): Uncertain significance (1 of 4 stars; one submission).

Conditions:
Koolen-de Vries syndrome (KDVS). Identifiers: Orphanet 96169, MedGen C1864871, MONDO:0012496, OMIM 610443.

Allele frequency attached by ClinVar (database versions not stated): gnomAD exomes below 0.00001; ExAC 0.00002.
gnomAD v4.1: 7 of 1,614,008 alleles (0.00043%); highest among the groups gnomAD compares: South Asian, 0.0055%; no homozygotes.

Submission:

Labcorp Genetics (formerly Invitae), Labcorp
Classification: Uncertain significance for Koolen-de Vries syndrome. Last evaluated: 2024-07-31. Review status: criteria provided, single submitter. Criteria: Invitae Variant Classification Sherloc (09022015). Collection method: clinical testing. Allele origin: germline.
Comment: This sequence change replaces lysine, which is basic and polar, with arginine, which is basic and polar, at codon 600 of the KANSL1 protein (p.Lys600Arg). This variant is present in population databases (rs770594188, gnomAD 0.01%). This variant has not been reported in the literature in individuals affected with KANSL1-related conditions. Advanced modeling of protein sequence and biophysical properties (such as structural, functional, and spatial information, amino acid conservation, physicochemical variation, residue mobility, and thermodynamic stability) performed at Invitae indicates that this missense variant is not expected to disrupt KANSL1 protein function with a negative predictive value of 80%. In summary, the available evidence is currently insufficient to determine the role of this variant in disease. Therefore, it has been classified as a Variant of Uncertain Significance.

NM_015443.4(KANSL1):c.1799A>G (p.Lys600Arg)

Gene: KANSL1 (KAT8 regulatory NSL complex subunit 1). Cytogenetic location: 17q21.31.
Variant type: single nucleotide variant.
Coding change: c.1799A>G on transcript NM_015443.4 (MANE Select); coding-DNA position 1799, A replaced by G.
Protein change: p.Lys600Arg; replaces lysine 600 with arginine.
Molecular consequence: missense variant.
Genome position (GRCh38, 1-based): chr17:46,066,586, T>C on the plus strand (A>G on the coding strand, the complement: KANSL1 is on the minus strand). VCF-style: chr17-46066586-T-C. GRCh37 (hg19) VCF-style: chr17-44143952-T-C.
Other names: c.533A>G, p.Lys178Arg (NM_001405882.1, NM_001405883.1, NM_001405884.1 and 1 more transcripts); c.1799A>G, p.Lys600Arg (NM_001405880.1, NM_001193465.2, NM_001193466.2 and 14 more transcripts); c.1697A>G, p.Lys566Arg (NM_001405881.1, NM_001405859.1, NM_001405860.1 and 1 more transcripts); short protein forms K178R, K600R, K566R.
Identifiers: ClinVar variation 3007551 (VCV003007551.3), dbSNP rs770594188, ClinGen allele CA8618729.